The following is an entry in ClinVar:

NM_000257.4(MYH7):c.4644+3G>A

Genes: MHRT (myosin heavy chain associated RNA transcript; plus strand), MYH7 (myosin heavy chain 7; minus strand). Cytogenetic location: 14q11.2.
Variant type: single nucleotide variant.
Coding change: c.4644+3G>A on transcript NM_000257.4 (MANE Select); 3 bases into the intron after coding-DNA position 4644, G replaced by A.
Molecular consequence: intron variant.
Genome position (GRCh38, 1-based): chr14:23,416,865, C>T on the plus strand (G>A on the coding strand, the complement: MYH7 is on the minus strand). VCF-style: chr14-23416865-C-T. GRCh37 (hg19) VCF-style: chr14-23886074-C-T.
Identifiers: ClinVar variation 43030 (VCV000043030.7), dbSNP rs397516226, ClinGen allele CA015181.
Genomic context (GRCh38, chr14:23,416,865, plus strand): 5'-AGAACAGGGACCAAAAGCCTGGAGCTCAGCTCCCTGCACCCCGTGCCCTGCACACACACA[C>T]ACCTCGGCCTCCTCCAGGGCTGACTGCAGCTCCATCTTCTCGGCCTCCAGCTGCTTTCGG-3'

ClinVar aggregate classification (germline): Conflicting classifications of pathogenicity. Review status: criteria provided, conflicting classifications (1 of 4 stars). 4 submissions from 4 submitters: Uncertain significance (1); Likely benign (2). 1 of the submissions does not count toward it. Last evaluated 2025-10-08.

Conditions:
Cardiomyopathy (CMYO). Also called: Cardiomyopathies. Identifiers: Orphanet 167848, MedGen C0878544, MONDO:0004994, HP:0001638. Inheritance: Various modes of inheritance.
Hypertrophic cardiomyopathy. Also called: HYPERTROPHIC MYOCARDIOPATHY. Identifiers: Orphanet 217569, MedGen C0007194, MeSH D002312, MONDO:0005045, HP:0001639.

Allele frequency attached by ClinVar (database versions not stated): gnomAD 0.00001.
gnomAD v4.1: 1 of 1,614,036 alleles (0.000062%); highest among the groups gnomAD compares: African/African-American, 0.0013%; no homozygotes.

Submissions (4):

Labcorp Genetics (formerly Invitae), Labcorp
Classification: Uncertain significance for Hypertrophic cardiomyopathy. Last evaluated: 2025-10-08. Review status: criteria provided, single submitter. Criteria: Invitae Variant Classification Sherloc (09022015). Collection method: clinical testing. Allele origin: germline.
Comment: This sequence change falls in intron 33 of the MYH7 gene. It does not directly change the encoded amino acid sequence of the MYH7 protein. It affects a nucleotide within the consensus splice site. This variant is not present in population databases (gnomAD no frequency). This variant has not been reported in the literature in individuals affected with MYH7-related conditions. ClinVar contains an entry for this variant (Variation ID: 43030). Variants that disrupt the consensus splice site are a relatively common cause of aberrant splicing (PMID: 17576681, 9536098). Algorithms developed to predict the effect of sequence changes on RNA splicing suggest that this variant is not likely to affect RNA splicing. In summary, the available evidence is currently insufficient to determine the role of this variant in disease. Therefore, it has been classified as a Variant of Uncertain Significance.

Color Diagnostics, LLC DBA Color Health
Classification: Likely benign for Cardiomyopathy. Last evaluated: 2018-10-16. Review status: criteria provided, single submitter. Criteria: ACMG Guidelines, 2015. Collection method: clinical testing. Allele origin: germline.

GeneDx
Classification: Likely benign. Last evaluated: 2015-12-04. Review status: criteria provided, single submitter. Criteria: GeneDx Variant Classification (06012015). Collection method: clinical testing. Allele origin: germline. Affected: yes.
Comment: This variant is considered likely benign or benign based on one or more of the following criteria: it is a conservative change, it occurs at a poorly conserved position in the protein, it is predicted to be benign by multiple in silico algorithms, and/or has population frequency not consistent with disease.

Laboratory for Molecular Medicine, Mass General Brigham Personalized Medicine
Classification: Uncertain significance. Last evaluated: 2014-01-16. Review status: no assertion criteria provided. Collection method: clinical testing. Allele origin: germline. Observed: 3 variant alleles. Not counted in ClinVar's aggregate classification.
Comment: proposed classification - variant undergoing re-assessment, contact laboratory

Literature cited by the submitters: PubMed 17576681 (cited by Labcorp Genetics (formerly Invitae), Labcorp); PubMed 9536098 (cited by Labcorp Genetics (formerly Invitae), Labcorp); PubMed 18506004 (cited by Laboratory for Molecular Medicine, Mass General Brigham Personalized Medicine).